The following is an entry in ClinVar:

ClinVar aggregate classification (germline): Uncertain significance. Review status: criteria provided, multiple submitters, no conflicts (2 of 4 stars). 3 submissions from 3 submitters: Uncertain significance (3). Last evaluated 2024-02-20.

Conditions:
Bethlem myopathy 1C (BTHLM1C). Identifiers: MedGen C5935581, MONDO:0958234, OMIM 620726.
Dystonia 27 (DYT27). Identifiers: Orphanet 464440, MedGen C4225336, MONDO:0014627, OMIM 616411.
Ullrich congenital muscular dystrophy 1C (UCMD1C). Identifiers: MedGen C5935583, MONDO:0958236, OMIM 620728.
Bethlem myopathy 1A. Also called: Bethlem Muscular Dystrophy; Bethlem myopathy 1; MYOPATHY, BENIGN CONGENITAL, WITH CONTRACTURES. Identifiers: Orphanet 610, MedGen CN029274, MONDO:0024530, OMIM 158810.

Allele frequency attached by ClinVar (database versions not stated): TOPMed 0.00001.

Submissions (3):

Fulgent Genetics
Classification: Uncertain significance for Dystonia 27; Bethlem myopathy 1C; Ullrich congenital muscular dystrophy 1C. Last evaluated: 2024-02-20. Review status: criteria provided, single submitter. Criteria: ACMG Guidelines, 2015. Collection method: clinical testing. Allele origin: germline.

Revvity Omics, Revvity
Classification: Uncertain significance. Last evaluated: 2019-08-30. Review status: criteria provided, single submitter. Criteria: ACMG Guidelines, 2015. Collection method: clinical testing. Allele origin: germline.

Labcorp Genetics (formerly Invitae), Labcorp
Classification: Uncertain significance for Bethlem myopathy 1A. Last evaluated: 2019-07-22. Review status: criteria provided, single submitter. Criteria: Invitae Variant Classification Sherloc (09022015). Collection method: clinical testing. Allele origin: germline.
Comment: In summary, the available evidence is currently insufficient to determine the role of this variant in disease. Therefore, it has been classified as a Variant of Uncertain Significance. Algorithms developed to predict the effect of missense changes on protein structure and function are either unavailable or do not agree on the potential impact of this missense change (SIFT: "Tolerated"; PolyPhen-2: "Not Available"; Align-GVGD: "Class C0"). This variant has not been reported in the literature in individuals with COL6A3-related conditions. This variant is not present in population databases (ExAC no frequency). This sequence change replaces serine with glycine at codon 2516 of the COL6A3 protein (p.Ser2516Gly). The serine residue is moderately conserved and there is a small physicochemical difference between serine and glycine.

NM_004369.4(COL6A3):c.7546A>G (p.Ser2516Gly)

Gene: COL6A3 (collagen type VI alpha 3 chain; minus strand). Cytogenetic location: 2q37.3.
Variant type: single nucleotide variant.
Coding change: c.7546A>G on transcript NM_004369.4 (MANE Select); coding-DNA position 7546, A replaced by G.
Protein change: p.Ser2516Gly; replaces serine 2516 with glycine.
Molecular consequence: missense variant.
Genome position (GRCh38, 1-based): chr2:237,344,472, T>C on the plus strand (A>G on the coding strand, the complement: COL6A3 is on the minus strand). VCF-style: chr2-237344472-T-C. GRCh37 (hg19) VCF-style: chr2-238253115-T-C.
Other names: c.5725A>G, p.Ser1909Gly (NM_057166.5); c.6928A>G, p.Ser2310Gly (NM_057167.4); short protein forms S2516G, S1909G, S2310G.
Identifiers: ClinVar variation 962811 (VCV000962811.13), dbSNP rs749651818, ClinGen allele CA67839134.